The following is an entry in ClinVar:

ClinVar aggregate classification (germline): Conflicting classifications of pathogenicity. Review status: criteria provided, conflicting classifications (1 of 4 stars). 5 submissions from 5 submitters: Uncertain significance (4); Likely benign (1). Last evaluated 2024-01-08.

Conditions:
Hereditary cancer-predisposing syndrome. Also called: Hereditary Cancer Syndrome; Hereditary neoplastic syndrome; Neoplastic Syndromes, Hereditary; Tumor predisposition. Identifiers: Orphanet 140162, MedGen C0027672, MeSH D009386, MONDO:0015356.
Hereditary breast ovarian cancer syndrome. Also called: Hereditary breast and ovarian cancer; Breast and ovarian cancer; Hereditary breast and ovarian cancer syndrome; Hereditary breast and/or ovarian cancer syndrome; BRCA1- and BRCA2-Associated Hereditary Breast and Ovarian Cancer; Hereditary breast and ovarian cancer syndrome (HBOC). Identifiers: Orphanet 145, MedGen C0677776, MeSH D061325, MONDO:0003582. Disease mechanism: loss of function.

Submissions (5):

Color Diagnostics, LLC DBA Color Health
Classification: Uncertain significance for Hereditary cancer-predisposing syndrome. Last evaluated: 2024-01-08. Review status: criteria provided, single submitter. Criteria: ACMG Guidelines, 2015. Collection method: clinical testing. Allele origin: germline.
Comment: This missense variant replaces serine with cysteine at codon 1468 of the BRCA2 protein. Computational prediction suggests that this variant may not impact protein structure and function. To our knowledge, functional studies have not been reported for this variant. This variant has been reported in an unaffected individual (PMID: 33471991; Leiden Open Variation Database DB-ID BRCA2_008203) and in a multifactorial analysis with tumor pathology, co-occurrence and family history likelihood ratios for pathogenicity of 1.07, 1.0246 and 0.7136, respectively (PMID: 31131967). This variant has not been identified in the general population by the Genome Aggregation Database (gnomAD). The available evidence is insufficient to determine the role of this variant in disease conclusively. Therefore, this variant is classified as a Variant of Uncertain Significance.

University of Washington Department of Laboratory Medicine, University of Washington
Classification: Likely benign for Hereditary cancer-predisposing syndrome. Last evaluated: 2023-03-23. Review status: criteria provided, single submitter. Criteria: Dines et al. (Genet Med. 2020). Collection method: curation. Allele origin: germline.
Comment: Missense variant in a coldspot region where missense variants are very unlikely to be pathogenic (PMID:31911673).

BRCA2 exon 11 coldspot. Reclassification based on statistical prior probability.

Ambry Genetics
Classification: Uncertain significance for Hereditary cancer-predisposing syndrome. Last evaluated: 2023-02-26. Review status: criteria provided, single submitter. Criteria: Ambry Variant Classification Scheme 2023. Collection method: clinical testing. Allele origin: germline.
Comment: The p.S1468C variant (also known as c.4403C>G), located in coding exon 10 of the BRCA2 gene, results from a C to G substitution at nucleotide position 4403. The serine at codon 1468 is replaced by cysteine, an amino acid with dissimilar properties. This amino acid position is not well conserved in available vertebrate species. In addition, this alteration is predicted to be tolerated by in silico analysis. Since supporting evidence is limited at this time, the clinical significance of this alteration remains unclear.

Labcorp Genetics (formerly Invitae), Labcorp
Classification: Uncertain significance for Hereditary breast ovarian cancer syndrome. Last evaluated: 2021-09-01. Review status: criteria provided, single submitter. Criteria: Invitae Variant Classification Sherloc (09022015). Collection method: clinical testing. Allele origin: germline.
Comment: This sequence change replaces serine with cysteine at codon 1468 of the BRCA2 protein (p.Ser1468Cys). The serine residue is weakly conserved and there is a moderate physicochemical difference between serine and cysteine. This variant is not present in population databases (ExAC no frequency). This variant has not been reported in the literature in individuals affected with BRCA2-related conditions. Algorithms developed to predict the effect of missense changes on protein structure and function output the following: SIFT: "Tolerated"; PolyPhen-2: "Benign"; Align-GVGD: "Class C0". The cysteine amino acid residue is found in multiple mammalian species, which suggests that this missense change does not adversely affect protein function. In summary, the available evidence is currently insufficient to determine the role of this variant in disease. Therefore, it has been classified as a Variant of Uncertain Significance.

GeneDx
Classification: Uncertain significance. Last evaluated: 2020-10-08. Review status: criteria provided, single submitter. Criteria: GeneDx Variant Classification Process June 2021. Collection method: clinical testing. Allele origin: germline. Affected: yes.
Comment: Not observed in large population cohorts (Lek 2016); In silico analysis supports that this missense variant has a deleterious effect on protein structure/function; Has not been previously published as pathogenic or benign to our knowledge; Also known as 4631C>G

Literature cited by the submitters: PubMed 31131967 (cited by Color Diagnostics, LLC DBA Color Health); PubMed 33471991 (cited by Color Diagnostics, LLC DBA Color Health); PubMed 29884841 (cited by Ambry Genetics).

NM_000059.4(BRCA2):c.4403C>G (p.Ser1468Cys)

Gene: BRCA2 (BRCA2 DNA repair associated; plus strand). Cytogenetic location: 13q13.1.
Variant type: single nucleotide variant.
Coding change: c.4403C>G on transcript NM_000059.4 (MANE Select); coding-DNA position 4403, C replaced by G.
Protein change: p.Ser1468Cys; replaces serine 1468 with cysteine.
Molecular consequence: missense variant.
Genome position (GRCh38, 1-based): chr13:32,338,758, C>G. VCF-style: chr13-32338758-C-G. GRCh37 (hg19) VCF-style: chr13-32912895-C-G.
Other names: short protein forms S1468C.
Identifiers: ClinVar variation 441411 (VCV000441411.21), dbSNP rs1555283769, ClinGen allele CA387781148.
Genomic context (GRCh38, chr13:32,338,758, plus strand): 5'-ATTTCTTTGATCAGAAACCAGAAGAATTGCATAACTTTTCCTTAAATTCTGAATTACATT[C>G]TGACATAAGAAAGAACAAAATGGACATTCTAAGTTATGAGGAAACAGACATAGTTAAACA-3'
Protein context (NP_000050.3, residues 1458-1478): HNFSLNSELH[Ser1468Cys]DIRKNKMDIL